The following is an entry in ClinVar:

Conditions:
Long QT syndrome 5 (LQT5). Identifiers: Orphanet 101016, Orphanet 768, MedGen C1867904, MONDO:0013372, OMIM 613695.

Submission:

Roden Lab, Vanderbilt University Medical Center
No classification provided (evidence only). Condition: Long QT syndrome 5. Review status: no classification provided. Collection method: in vitro. Allele origin: not applicable. Functional consequence: Effect on ion channel function.
ClinVar note: "not provided" was previously submitted as the classification for the variant. However, the classification appeared to be based only on an observation of functional data so it was converted to no classification on 2025-07-30.

NM_000219.6(KCNE1):c.183C>G (p.Ile61Met)

Gene: KCNE1 (potassium voltage-gated channel subfamily E regulatory subunit 1; minus strand). Cytogenetic location: 21q22.12.
Variant type: single nucleotide variant.
Coding change: c.183C>G on transcript NM_000219.6 (MANE Select); coding-DNA position 183, C replaced by G.
Protein change: p.Ile61Met; replaces isoleucine 61 with methionine.
Molecular consequence: missense variant.
Genome position (GRCh38, 1-based): chr21:34,449,452, G>C on the plus strand (C>G on the coding strand, the complement: KCNE1 is on the minus strand). VCF-style: chr21-34449452-G-C. GRCh37 (hg19) VCF-style: chr21-35821750-G-C.
Other names: c.183C>G, p.Ile61Met (NM_001127668.4, NM_001127669.4, NM_001127670.4 and 4 more transcripts); short protein forms I61M.
Identifiers: ClinVar variation 3374266 (VCV003374266.2).